The following is an entry in ClinVar:

NM_014956.5(CEP164):c.1921G>T (p.Glu641Ter)

Gene: CEP164 (centrosomal protein 164; plus strand). Cytogenetic location: 11q23.3.
Variant type: single nucleotide variant.
Coding change: c.1921G>T on transcript NM_014956.5 (MANE Select); coding-DNA position 1921, G replaced by T.
Protein change: p.Glu641Ter; replaces glutamic acid 641 with a stop codon.
Molecular consequence: nonsense.
Genome position (GRCh38, 1-based): chr11:117,387,399, G>T. VCF-style: chr11-117387399-G-T. GRCh37 (hg19) VCF-style: chr11-117258115-G-T.
Other names: c.1930G>T, p.Glu644Ter (NM_001271933.2); short protein forms E641*, E644*.
Identifiers: ClinVar variation 2965994 (VCV002965994.3), dbSNP rs2541771087, ClinGen allele CA382719139.

ClinVar aggregate classification (germline): Pathogenic (1 of 4 stars; one submission).

Conditions:
Nephronophthisis 15 (NPHP15). Identifiers: Orphanet 3156, MedGen C3541853, MONDO:0013917, OMIM 614845.

Allele frequency attached by ClinVar (database versions not stated): gnomAD exomes below 0.00001.
gnomAD v4.1: 1 of 1,614,138 alleles (0.000062%); highest among the groups gnomAD compares: Non-Finnish European, 0.000085%; no homozygotes.

Submission:

Labcorp Genetics (formerly Invitae), Labcorp
Classification: Pathogenic for Nephronophthisis 15. Last evaluated: 2023-12-18. Review status: criteria provided, single submitter. Criteria: Invitae Variant Classification Sherloc (09022015). Collection method: clinical testing. Allele origin: germline.
Comment: This sequence change creates a premature translational stop signal (p.Glu641*) in the CEP164 gene. It is expected to result in an absent or disrupted protein product. Loss-of-function variants in CEP164 are known to be pathogenic (PMID: 22863007, 28125082, 32367404, 34132027, 34499853). This variant is not present in population databases (gnomAD no frequency). This variant has not been reported in the literature in individuals affected with CEP164-related conditions. Algorithms developed to predict the effect of sequence changes on RNA splicing suggest that this variant may disrupt the consensus splice site. For these reasons, this variant has been classified as Pathogenic.

Literature cited by the submitters: PubMed 22863007; PubMed 28125082; PubMed 32367404; PubMed 34132027; PubMed 34499853.